The following is an entry in ClinVar:

NM_001370100.5(ZMYND11):c.948del (p.Arg317fs)

Gene: ZMYND11 (zinc finger MYND-type containing 11; plus strand). Cytogenetic location: 10p15.3.
Variant type: Deletion.
Coding change: c.948del on transcript NM_001370100.5 (MANE Select); coding-DNA position 948, one base deleted (G; older notation c.948delG).
Protein change: p.Arg317fs; shifts the reading frame from arginine 317.
Molecular consequence: frameshift variant. On other transcripts: non-coding transcript variant (1).
Genome position (GRCh38, 1-based): chr10:242,137, G deleted. VCF-style (leftmost placement, unchanged base first): chr10-242136-AG-A. GRCh37 (hg19) VCF-style: chr10-288076-AG-A.
Other names: c.948del, p.Arg317fs (NM_001370099.2, NM_001370101.2, NM_001370102.2 and 5 more transcripts); c.786del, p.Arg263fs (NM_001370103.2, NM_001370104.2, NM_001370105.2 and 6 more transcripts); c.693del, p.Arg232fs (NM_001370110.2, NM_001202465.3); c.783del, p.Arg262fs (NM_001370111.2, NM_001202466.3); c.897del, p.Arg300fs (NM_001370112.2, NM_001330057.3); c.855del, p.Arg286fs (NM_001370113.2, NM_001370114.2); c.945del, p.Arg316fs (NM_001370115.2, NM_212479.4); c.882del, p.Arg295fs (NM_001370116.2); and 7 more; short protein forms R232fs, R241fs, R262fs, R286fs, R316fs, R160fs, R215fs, R223fs.
Identifiers: ClinVar variation 3678256 (VCV003678256.2).

ClinVar aggregate classification (germline): Pathogenic (1 of 4 stars; one submission).

Submission:

Labcorp Genetics (formerly Invitae), Labcorp
Classification: Pathogenic. Last evaluated: 2024-11-19. Review status: criteria provided, single submitter. Criteria: Invitae Variant Classification Sherloc (09022015). Collection method: clinical testing. Allele origin: germline.
Comment: This sequence change creates a premature translational stop signal (p.Arg317Glyfs*21) in the ZMYND11 gene. It is expected to result in an absent or disrupted protein product. Loss-of-function variants in ZMYND11 are known to be pathogenic (PMID: 25217958). This variant is not present in population databases (gnomAD no frequency). This variant has not been reported in the literature in individuals affected with ZMYND11-related conditions. For these reasons, this variant has been classified as Pathogenic.

Literature cited by the submitters: PubMed 25217958.